The following is an entry in ClinVar:

ClinVar aggregate classification (germline): Pathogenic. Review status: criteria provided, multiple submitters, no conflicts (2 of 4 stars). 12 submissions from 12 submitters: Pathogenic (6). 6 of the submissions do not count toward it. Last evaluated 2026-06-17.

Conditions:
ALOXE3-related disorder. Also called: ALOXE3-related condition.
Autosomal recessive congenital ichthyosis 3 (ARCI3). Also called: ICHTHYOSIS, LAMELLAR, 5. Identifiers: MedGen C3539888, MONDO:0011680, OMIM 606545.
Autosomal recessive congenital ichthyosis 2 (ARCI2). Identifiers: Orphanet 281122, Orphanet 79394, MedGen C3888093, MONDO:0009439, OMIM 242100.

Allele frequency attached by ClinVar (database versions not stated): TOPMed 0.00011; ExAC 0.00012; gnomAD 0.00013; gnomAD exomes 0.00015.
gnomAD v4.1: 230 of 1,614,120 alleles (0.014%); highest among the groups gnomAD compares: Non-Finnish European, 0.017%; no homozygotes.

Submissions (12):

Women's Health and Genetics/Laboratory Corporation of America, LabCorp
Classification: Pathogenic for Autosomal recessive congenital ichthyosis 2. Last evaluated: 2026-06-17. Review status: criteria provided, single submitter. Criteria: LabCorp Variant Classification Summary - May 2015. Collection method: clinical testing. Allele origin: germline.
Comment: Variant summary: ALOXE3 c.700C>T (p.Arg234X) results in a premature termination codon, predicted to cause a truncation of the encoded protein or absence of the protein due to nonsense mediated decay, which are commonly known mechanisms for disease. The variant allele was found at a frequency of 0.00015 in 251482 control chromosomes. This frequency is not significantly higher than estimated for disease-causing variants in ALOXE3, allowing no conclusion about variant significance. c.700C>T has been observed in multiple individuals affected with autosomal recessive congenital ichthyosis (e.g. Eckl_2009). These data indicate that the variant is very likely to be associated with disease. The following publication has been ascertained in the context of this evaluation (PMID: 19131948). ClinVar contains an entry for this variant (Variation ID: 3408). Based on the evidence outlined above, the variant was classified as pathogenic.

Labcorp Genetics (formerly Invitae), Labcorp
Classification: Pathogenic. Last evaluated: 2026-01-14. Review status: criteria provided, single submitter. Criteria: Invitae Variant Classification Sherloc (09022015). Collection method: clinical testing. Allele origin: germline.
Comment: This sequence change creates a premature translational stop signal (p.Arg234*) in the ALOXE3 gene. It is expected to result in an absent or disrupted protein product. Loss-of-function variants in ALOXE3 are known to be pathogenic (PMID: 11773004, 19890349, 27025581). This variant is present in population databases (rs121434233, gnomAD 0.03%). This premature translational stop signal has been observed in individual(s) with autosomal recessive congenital ichthyosis (PMID: 11773004, 27025581). ClinVar contains an entry for this variant (Variation ID: 3408). For these reasons, this variant has been classified as Pathogenic.

Blueprint Genetics
Classification: Pathogenic for ALOXE3-related disorders. Last evaluated: 2024-11-25. Review status: criteria provided, single submitter. Criteria: ACMG Guidelines, 2015. Collection method: clinical testing. Allele origin: germline. Affected: yes. Observed: 5 variant alleles.

GeneDx
Classification: Pathogenic. Last evaluated: 2023-03-01. Review status: criteria provided, single submitter. Criteria: GeneDx Variant Classification Process June 2021. Collection method: clinical testing. Allele origin: germline. Affected: yes.
Comment: Several patients who were compound heterozygous for R234* and the pathogenic P630L variant were reported to have self-improving collodion ichthyosis (Vahlquist et al., 2010; Hotz et al., 2021); Nonsense variant predicted to result in protein truncation or nonsense mediated decay in a gene for which loss-of-function is a known mechanism of disease; This variant is associated with the following publications: (PMID: 19890349, 25525159, 11773004, 19131948, 31589614, 33435499, 16116617, 34908195, 27025581)

Department of Pathology and Laboratory Medicine, Sinai Health System
Classification: Pathogenic for Autosomal recessive congenital ichthyosis 2; Autosomal recessive congenital ichthyosis 3. Last evaluated: 2023-01-19. Review status: criteria provided, single submitter. Criteria: ACMG Guidelines, 2015. Collection method: research. Allele origin: germline.

CeGaT Center for Human Genetics Tuebingen
Classification: Pathogenic. Last evaluated: 2020-11-01. Review status: criteria provided, single submitter. Criteria: CeGaT Center For Human Genetics Tuebingen Variant Classification Criteria Version 2. Collection method: clinical testing. Allele origin: germline. Affected: yes. Observed: 1 variant allele.

PreventionGenetics, part of Exact Sciences
Classification: Pathogenic for ALOXE3-related condition. Last evaluated: 2024-02-05. Review status: no assertion criteria provided. Collection method: clinical testing. Allele origin: germline. Not counted in ClinVar's aggregate classification.
Comment: The ALOXE3 c.700C>T variant is predicted to result in premature protein termination (p.Arg234*). This variant has been reported in the homozygous or compound heterozygous state in at least 2 affected individuals with congenital Ichthyosis (Family A2, Figure 1, Jobard et al. 2002. PubMed ID: 11773004; Patient 91, Table S1, Pigg et al. 2016. PubMed ID: 27025581). This variant is reported in 0.029% of alleles in individuals of European (Non-Finnish) descent in gnomAD. Nonsense variants in ALOXE3 are expected to be pathogenic. This variant is interpreted as pathogenic.

Institute for Human Genetics, University Medical Center Freiburg
Classification: Pathogenic for Autosomal recessive congenital ichthyosis 3. Last evaluated: 2021-01-07. Review status: no assertion criteria provided. Collection method: clinical testing. Allele origin: unknown. Affected: yes. Not counted in ClinVar's aggregate classification.

OMIM
Classification: Pathogenic for ICHTHYOSIS, CONGENITAL, AUTOSOMAL RECESSIVE 3. Last evaluated: 2009-06-01. Review status: no assertion criteria provided. Collection method: literature only. Allele origin: germline. Not counted in ClinVar's aggregate classification.

Diagnostic Laboratory, Department of Genetics, University Medical Center Groningen
Classification: Pathogenic. Review status: no assertion criteria provided. Collection method: clinical testing. Allele origin: germline. Affected: yes. Study: VKGL Data-share Consensus. Not counted in ClinVar's aggregate classification.

Genome Diagnostics Laboratory, University Medical Center Utrecht
Classification: Pathogenic. Review status: no assertion criteria provided. Collection method: clinical testing. Allele origin: germline. Affected: yes. Study: VKGL Data-share Consensus. Not counted in ClinVar's aggregate classification.

Joint Genome Diagnostic Labs from Nijmegen and Maastricht, Radboudumc and MUMC+
Classification: Pathogenic. Review status: no assertion criteria provided. Collection method: clinical testing. Allele origin: germline. Affected: yes. Study: VKGL Data-share Consensus. Not counted in ClinVar's aggregate classification.

Literature cited by the submitters: PubMed 19131948 (cited by Women's Health and Genetics/Laboratory Corporation of America, LabCorp and OMIM); PubMed 11773004 (cited by 3 submitters); PubMed 19890349 (cited by Labcorp Genetics (formerly Invitae), Labcorp); PubMed 27025581 (cited by Labcorp Genetics (formerly Invitae), Labcorp); PubMed 16116617 (cited by OMIM).

NM_021628.3(ALOXE3):c.700C>T (p.Arg234Ter)

Gene: ALOXE3 (arachidonate epidermal lipoxygenase 3; minus strand). Cytogenetic location: 17p13.1.
Variant type: single nucleotide variant.
Coding change: c.700C>T on transcript NM_021628.3 (MANE Select); coding-DNA position 700, C replaced by T.
Protein change: p.Arg234Ter; replaces arginine 234 with a stop codon.
Molecular consequence: nonsense.
Genome position (GRCh38, 1-based): chr17:8,112,177, G>A on the plus strand (C>T on the coding strand, the complement: ALOXE3 is on the minus strand). VCF-style: chr17-8112177-G-A. GRCh37 (hg19) VCF-style: chr17-8015495-G-A.
Other names: c.1096C>T, p.Arg366Ter (NM_001165960.1); c.697C>T, p.Arg233Ter (NM_001369446.1); short protein forms R234*, R366*, R233*.
Identifiers: ClinVar variation 3408 (VCV000003408.61), dbSNP rs121434233, ClinGen allele CA116197.